The following is an entry in ClinVar:

NM_139057.4(ADAMTS17):c.202C>T (p.Pro68Ser)

Gene: ADAMTS17 (ADAM metallopeptidase with thrombospondin type 1 motif 17; minus strand). Cytogenetic location: 15q26.3.
Variant type: single nucleotide variant.
Coding change: c.202C>T on transcript NM_139057.4 (MANE Select); coding-DNA position 202, C replaced by T.
Protein change: p.Pro68Ser; replaces proline 68 with serine.
Molecular consequence: missense variant.
Genome position (GRCh38, 1-based): chr15:100,341,287, G>A on the plus strand (C>T on the coding strand, the complement: ADAMTS17 is on the minus strand). VCF-style: chr15-100341287-G-A. GRCh37 (hg19) VCF-style: chr15-100881492-G-A.
Other names: short protein forms P68S.
Identifiers: ClinVar variation 1349724 (VCV001349724.4), dbSNP rs2046358099, ClinGen allele CA394525445.

ClinVar aggregate classification (germline): Uncertain significance (1 of 4 stars; one submission).

Allele frequency attached by ClinVar (database versions not stated): gnomAD 0.00001; gnomAD exomes 0.00001; TOPMed 0.00001.

Submission:

Labcorp Genetics (formerly Invitae), Labcorp
Classification: Uncertain significance. Last evaluated: 2022-12-31. Review status: criteria provided, single submitter. Criteria: Invitae Variant Classification Sherloc (09022015). Collection method: clinical testing. Allele origin: germline.
Comment: In summary, the available evidence is currently insufficient to determine the role of this variant in disease. Therefore, it has been classified as a Variant of Uncertain Significance. Algorithms developed to predict the effect of missense changes on protein structure and function output the following: SIFT: "Not Available"; PolyPhen-2: "Benign"; Align-GVGD: "Not Available". The serine amino acid residue is found in multiple mammalian species, which suggests that this missense change does not adversely affect protein function. ClinVar contains an entry for this variant (Variation ID: 1349724). This variant has not been reported in the literature in individuals affected with ADAMTS17-related conditions. The frequency data for this variant in the population databases is considered unreliable, as metrics indicate insufficient coverage at this position in the gnomAD database. This sequence change replaces proline, which is neutral and non-polar, with serine, which is neutral and polar, at codon 68 of the ADAMTS17 protein (p.Pro68Ser).